The following is an entry in ClinVar:

ClinVar aggregate classification (germline): Uncertain significance (1 of 4 stars; one submission).

Submission:

Women's Health and Genetics/Laboratory Corporation of America, LabCorp
Classification: Uncertain significance. Last evaluated: 2023-03-22. Review status: criteria provided, single submitter. Criteria: LabCorp Variant Classification Summary - May 2015. Collection method: clinical testing. Allele origin: germline.
Comment: Variant summary: The variant identified by MLPA or other technology involves the deletion of exon 10 in the ETFA gene. A presumed nomenclature of c.(816+1_817-1)_(882+1_883-1)del has been designated for the purposes of this classification. Although exact breakpoints of this deletion are not known, it is expected to result in an in-frame deletion, removing 22 amino acids from the ETFA gene, a potential mechanism of disease. The variant was absent in 21694 control chromosomes (gnomAD, structural variants dataset). c.(816+1_817-1)_(882+1_883-1)del has been reported in the literature in the heterozygous state in an individual affected with Glutaric Aciduria, Type 2 (Freneaux_1992). This report does not allow any strong conclusion about variant significance. No pathogenic variants have been reported in this region in ClinVar, but one variant in this region has been found in association with disease in the HGMD database. To our knowledge, no experimental evidence demonstrating an impact on protein function has been reported. One clinical diagnostic laboratory has submitted a clinical-significance assessment for this variant to ClinVar after 2014 and classified the variant as uncertain significance. Based on the evidence outlined above, the variant was classified as VUS-possibly pathogenic.

Literature cited by the submitters: PubMed 1430199.

NC_000015.9:g.(76518271_76523673)_(76523740_76566752)del

Gene: ETFA (electron transfer flavoprotein subunit alpha; minus strand). Cytogenetic location: 15q24.2.
Variant type: Deletion.
Identifiers: ClinVar variation 2501035 (VCV002501035.1).